The following is an entry in ClinVar:

NM_007294.4(BRCA1):c.2726del (p.Asn909fs)

Gene: BRCA1 (BRCA1 DNA repair associated; minus strand). Cytogenetic location: 17q21.31.
Variant type: Deletion.
Coding change: c.2726del on transcript NM_007294.4 (MANE Select); coding-DNA position 2726, one base deleted (A; older notation c.2726delA).
Protein change: p.Asn909fs; shifts the reading frame from asparagine 909.
Molecular consequence: frameshift variant. On other transcripts: intron variant (137).
Genome position (GRCh38, 1-based): chr17:43,092,805, T deleted on the plus strand (A on the coding strand, the reverse complement: BRCA1 is on the minus strand); the first of 4 consecutive T bases (chr17:43,092,805-43,092,808); deleting any one gives the same sequence. VCF-style (leftmost placement, unchanged base first): chr17-43092804-AT-A. GRCh37 (hg19) VCF-style: chr17-41244821-AT-A.
Other names: 2845delA; c.2726delA (NM_007294.3); c.2513del, p.Asn838fs (NM_001407571.1, NM_001407853.1, NM_001407894.1 and 9 more transcripts); c.2726del, p.Asn909fs (NM_001407581.1, NM_001407582.1, NM_001407583.1 and 30 more transcripts); c.2723del, p.Asn908fs (NM_001407587.1, NM_001407590.1, NM_001407591.1 and 22 more transcripts); c.2717del, p.Asn906fs (NM_001407646.1, NM_001407647.1); c.2603del, p.Asn868fs (NM_001407648.1, NM_001407664.1, NM_001407665.1 and 19 more transcripts); c.2600del, p.Asn867fs (NM_001407649.1, NM_001407670.1, NM_001407671.1 and 11 more transcripts); and 43 more; short protein forms N909fs, N862fs, N613fs, N782fs, N797fs, N839fs, N842fs, N867fs.
Identifiers: ClinVar variation 54659 (VCV000054659.6), dbSNP rs80357614, ClinGen allele CA001796.

ClinVar aggregate classification (germline): Pathogenic. Review status: reviewed by expert panel (3 of 4 stars). 3 submissions from 3 submitters: Pathogenic (1). 2 of the submissions do not count toward it. Last evaluated 2016-09-08.

Conditions:
Hereditary cancer-predisposing syndrome. Also called: Tumor predisposition; Neoplastic Syndromes, Hereditary; Hereditary Cancer Syndrome; Hereditary neoplastic syndrome. Identifiers: Orphanet 140162, MedGen C0027672, MeSH D009386, MONDO:0015356.
Breast-ovarian cancer, familial, susceptibility to, 1 (BROVCA1). Also called: OVARIAN CANCER, SUSCEPTIBILITY TO; BRCA1 Hereditary Breast and Ovarian Cancer. Identifiers: Orphanet 145, MedGen C2676676, MONDO:0011450, OMIM 604370. Disease mechanism: loss of function.

Submissions (3):

Evidence-based Network for the Interpretation of Germline Mutant Alleles (ENIGMA)
Classification: Pathogenic for Breast-ovarian cancer, familial, susceptibility to, 1. Last evaluated: 2016-09-08. Review status: reviewed by expert panel. Criteria: ENIGMA BRCA1/2 Classification Criteria (2015). Collection method: curation. Allele origin: germline.
Comment: Variant allele predicted to encode a truncated non-functional protein.

Ambry Genetics
Classification: Pathogenic for Hereditary cancer-predisposing syndrome. Last evaluated: 2021-01-15. Review status: criteria provided, single submitter. Criteria: Ambry Variant Classification Scheme 2023. Collection method: clinical testing. Allele origin: germline. Not counted in ClinVar's aggregate classification.
Comment: The c.2726delA pathogenic mutation, located in coding exon 9 of the BRCA1 gene, results from a deletion of one nucleotide at nucleotide position 2726, causing a translational frameshift with a predicted alternate stop codon (p.N909Ifs*91). This mutation has been detected in two Dutch breast and/or ovarian cancer families (van der Hout AH et al. Hum Mutat. 2006 Jul;27(7):654-66). In addition to the clinical data presented in the literature, this alteration is expected to result in loss of function by premature protein truncation or nonsense-mediated mRNA decay. As such, this alteration is interpreted as a disease-causing mutation.

Breast Cancer Information Core (BIC) (BRCA1)
Classification: Pathogenic for Breast-ovarian cancer, familial 1. Last evaluated: 2001-10-29. Review status: no assertion criteria provided. Collection method: clinical testing. Allele origin: germline. Affected: yes. Observed: 1 variant allele. Not counted in ClinVar's aggregate classification.

Literature cited by the submitters: PubMed 31350202 (cited by Ambry Genetics).